The following is an entry in ClinVar:

NM_001035.3(RYR2):c.8223G>T (p.Trp2741Cys)

Gene: RYR2 (ryanodine receptor 2; plus strand). Cytogenetic location: 1q43.
Variant type: single nucleotide variant.
Coding change: c.8223G>T on transcript NM_001035.3 (MANE Select); coding-DNA position 8223, G replaced by T.
Protein change: p.Trp2741Cys; replaces tryptophan 2741 with cysteine.
Molecular consequence: missense variant.
Genome position (GRCh38, 1-based): chr1:237,659,999, G>T. VCF-style: chr1-237659999-G-T. GRCh37 (hg19) VCF-style: chr1-237823299-G-T.
Other names: short protein forms W2741C.
Identifiers: ClinVar variation 3360069 (VCV003360069.1).

ClinVar aggregate classification (germline): Uncertain significance (1 of 4 stars; one submission).

gnomAD v4.1: 2 of 1,584,970 alleles (0.00013%); highest among the groups gnomAD compares: Non-Finnish European, 0.00017%; no homozygotes.

Submission:

GeneDx
Classification: Uncertain significance. Last evaluated: 2024-04-01. Review status: criteria provided, single submitter. Criteria: GeneDx Variant Classification Process June 2021. Collection method: clinical testing. Allele origin: germline. Affected: yes.
Comment: Not observed at significant frequency in large population cohorts (gnomAD); In silico analysis supports that this missense variant has a deleterious effect on protein structure/function; Has not been previously published as pathogenic or benign to our knowledge; Not located in one of the three hot-spot regions of the RYR2 gene, where the majority of pathogenic missense variants occur (PMID: 19926015); This variant is associated with the following publications: (PMID: 19926015)